The following is an entry in ClinVar:

ClinVar aggregate classification (germline): Uncertain significance (1 of 4 stars; one submission).

Conditions:
Cardiovascular phenotype. Identifiers: MedGen CN230736.

gnomAD v4.1: 20 of 1,614,134 alleles (0.0012%); highest among the groups gnomAD compares: South Asian, 0.014%; no homozygotes.

Submission:

Ambry Genetics
Classification: Uncertain significance for Cardiovascular phenotype. Last evaluated: 2026-04-28. Review status: criteria provided, single submitter. Criteria: Ambry Variant Classification Scheme 2023. Collection method: clinical testing. Allele origin: germline.
Comment: The p.Y187C variant (also known as c.560A>G), located in coding exon 6 of the ABCA1 gene, results from an A to G substitution at nucleotide position 560. The tyrosine at codon 187 is replaced by cysteine, an amino acid with highly dissimilar properties. This amino acid position is highly conserved in available vertebrate species. In addition, this alteration is predicted to be deleterious by in silico analysis. Based on the available evidence, the clinical significance of this variant remains unclear.

NM_005502.4(ABCA1):c.560A>G (p.Tyr187Cys)

Gene: ABCA1 (ATP binding cassette subfamily A member 1; minus strand). Cytogenetic location: 9q31.1.
Variant type: single nucleotide variant.
Coding change: c.560A>G on transcript NM_005502.4 (MANE Select); coding-DNA position 560, A replaced by G.
Protein change: p.Tyr187Cys; replaces tyrosine 187 with cysteine.
Molecular consequence: missense variant.
Genome position (GRCh38, 1-based): chr9:104,858,682, T>C on the plus strand (A>G on the coding strand, the complement: ABCA1 is on the minus strand). VCF-style: chr9-104858682-T-C. GRCh37 (hg19) VCF-style: chr9-107620963-T-C.
Other names: short protein forms Y187C.
Identifiers: ClinVar variation 4867404 (VCV004867404.1).